The following is an entry in ClinVar:

NM_025233.7(COASY):c.1690G>A (p.Asp564Asn)

Gene: COASY (Coenzyme A synthase; plus strand). Cytogenetic location: 17q21.2.
Variant type: single nucleotide variant.
Coding change: c.1690G>A on transcript NM_025233.7 (MANE Select); coding-DNA position 1690, G replaced by A.
Protein change: p.Asp564Asn; replaces aspartic acid 564 with asparagine.
Molecular consequence: missense variant.
Genome position (GRCh38, 1-based): chr17:42,565,963, G>A. VCF-style: chr17-42565963-G-A. GRCh37 (hg19) VCF-style: chr17-40717981-G-A.
Other names: c.1690G>A, p.Asp564Asn (NM_001042529.3); c.1777G>A, p.Asp593Asn (NM_001042532.4); short protein forms D593N, D564N.
Identifiers: ClinVar variation 1352528 (VCV001352528.5), dbSNP rs757786032, ClinGen allele CA8578440.

ClinVar aggregate classification (germline): Uncertain significance (1 of 4 stars; one submission).

Conditions:
Neurodegeneration with brain iron accumulation 6 (NBIA6). Also called: COASY protein-associated neurodegeneration. Identifiers: Orphanet 397725, MedGen C4517377, MONDO:0014290, OMIM 615643.

Allele frequency attached by ClinVar (database versions not stated): gnomAD 0.00001; TOPMed 0.00001; ExAC 0.00002; gnomAD exomes 0.00002.
gnomAD v4.1: 33 of 1,613,664 alleles (0.002%); highest among the groups gnomAD compares: South Asian, 0.022%; no homozygotes.

Submission:

Labcorp Genetics (formerly Invitae), Labcorp
Classification: Uncertain significance for Neurodegeneration with brain iron accumulation 6. Last evaluated: 2024-12-02. Review status: criteria provided, single submitter. Criteria: Invitae Variant Classification Sherloc (09022015). Collection method: clinical testing. Allele origin: germline.
Comment: This sequence change replaces aspartic acid, which is acidic and polar, with asparagine, which is neutral and polar, at codon 564 of the COASY protein (p.Asp564Asn). This variant is present in population databases (rs757786032, gnomAD 0.01%). This variant has not been reported in the literature in individuals affected with COASY-related conditions. ClinVar contains an entry for this variant (Variation ID: 1352528). An algorithm developed to predict the effect of missense changes on protein structure and function outputs the following: PolyPhen-2: "Benign". The asparagine amino acid residue is found in multiple mammalian species, which suggests that this missense change does not adversely affect protein function. In summary, the available evidence is currently insufficient to determine the role of this variant in disease. Therefore, it has been classified as a Variant of Uncertain Significance.